The following is an entry in ClinVar:

ClinVar aggregate classification (germline): Uncertain significance. Review status: criteria provided, multiple submitters, no conflicts (2 of 4 stars). 3 submissions from 3 submitters: Uncertain significance (3). Last evaluated 2026-05-01.

Allele frequency attached by ClinVar (database versions not stated): ESP Exome Variant Server 0.00015.
gnomAD v4.1: 91 of 1,614,056 alleles (0.0056%); highest among the groups gnomAD compares: Non-Finnish European, 0.0075%; no homozygotes.

Submissions (3):

CeGaT Center for Human Genetics Tuebingen
Classification: Uncertain significance. Last evaluated: 2026-05-01. Review status: criteria provided, single submitter. Criteria: CeGaT Center For Human Genetics Tuebingen Variant Classification Criteria Version 2. Collection method: clinical testing. Allele origin: germline. Affected: yes. Observed: 1 variant allele.
Comment: ADAMTS9: PM2

Ambry Genetics
Classification: Uncertain significance. Last evaluated: 2025-07-18. Review status: criteria provided, single submitter. Criteria: Ambry Variant Classification Scheme 2023. Collection method: clinical testing. Allele origin: germline.

Labcorp Genetics (formerly Invitae), Labcorp
Classification: Uncertain significance. Last evaluated: 2022-06-27. Review status: criteria provided, single submitter. Criteria: Invitae Variant Classification Sherloc (09022015). Collection method: clinical testing. Allele origin: germline.
Comment: In summary, the available evidence is currently insufficient to determine the role of this variant in disease. Therefore, it has been classified as a Variant of Uncertain Significance. Algorithms developed to predict the effect of sequence changes on RNA splicing suggest that this variant may create or strengthen a splice site. Algorithms developed to predict the effect of missense changes on protein structure and function (SIFT, PolyPhen-2, Align-GVGD) all suggest that this variant is likely to be disruptive. This variant has not been reported in the literature in individuals affected with ADAMTS9-related conditions. This variant is present in population databases (rs138585087, gnomAD 0.006%). This sequence change replaces asparagine, which is neutral and polar, with lysine, which is basic and polar, at codon 1806 of the ADAMTS9 protein (p.Asn1806Lys).

NM_182920.2(ADAMTS9):c.5418C>A (p.Asn1806Lys)

Genes: ADAMTS9 (ADAM metallopeptidase with thrombospondin type 1 motif 9; minus strand), LOC126806704 (BRD4-independent group 4 enhancer GRCh37_chr3:64526487-64527686; plus strand). Cytogenetic location: 3p14.1.
Variant type: single nucleotide variant.
Coding change: c.5418C>A on transcript NM_182920.2 (MANE Select); coding-DNA position 5418, C replaced by A.
Protein change: p.Asn1806Lys; replaces asparagine 1806 with lysine.
Molecular consequence: missense variant.
Genome position (GRCh38, 1-based): chr3:64,541,198, G>T on the plus strand (C>A on the coding strand, the complement: ADAMTS9 is on the minus strand). VCF-style: chr3-64541198-G-T. GRCh37 (hg19) VCF-style: chr3-64526874-G-T.
Other names: c.5418C>A (NM_182920.1); c.5334C>A, p.Asn1778Lys (NM_001318781.2); short protein forms N1806K, N1778K.
Identifiers: ClinVar variation 1468704 (VCV001468704.9), dbSNP rs138585087, ClinGen allele CA2480139.